The following is an entry in ClinVar:

ClinVar aggregate classification (germline): Uncertain significance. Review status: criteria provided, single submitter (1 of 4 stars). 2 submissions from 2 submitters: Uncertain significance (1). 1 of the submissions does not count toward it. Last evaluated 2025-06-16.

Conditions:
Cystic fibrosis (CF). Also called: MUCOVISCIDOSIS. Identifiers: Orphanet 586, MedGen C0010674, MONDO:0009061, OMIM 219700. Disease mechanism: loss of function.

Submissions (2):

Women's Health and Genetics/Laboratory Corporation of America, LabCorp
Classification: Uncertain significance. Last evaluated: 2025-06-16. Review status: criteria provided, single submitter. Criteria: LabCorp Variant Classification Summary - May 2015. Collection method: clinical testing. Allele origin: germline.
Comment: Variant summary: CFTR c.2204G>A (p.Arg735Lys) results in a conservative amino acid change in the encoded protein sequence. Algorithms developed to predict the effect of missense changes on protein structure and function are either unavailable or do not agree on the potential impact of this missense change. The variant was absent in 251244 control chromosomes. The available data on variant occurrences in the general population are insufficient to allow any conclusion about variant significance. c.2204G>A has been observed in the heterozygous state in an individual affected with Cystic Fibrosis (Frentescu_2008). This report does not provide unequivocal conclusions about association of the variant with Cystic Fibrosis. To our knowledge, no experimental evidence demonstrating an impact on protein function has been reported. The following publication has been ascertained in the context of this evaluation (PMID: 18467194). ClinVar contains an entry for this variant (Variation ID: 53453). Based on the evidence outlined above, the variant was classified as uncertain significance.

ClinVar Staff, National Center for Biotechnology Information (NCBI)
No classification provided. Condition: CFTR-related disorders. Review status: no classification provided. Collection method: literature only. Allele origin: germline. Affected: yes. Not counted in ClinVar's aggregate classification.

Literature cited by the submitters: PubMed 18467194 (cited by Women's Health and Genetics/Laboratory Corporation of America, LabCorp and ClinVar Staff, National Center for Biotechnology Information (NCBI)).

NM_000492.4(CFTR):c.2204G>A (p.Arg735Lys)

Gene: CFTR (CF transmembrane conductance regulator; plus strand). Cytogenetic location: 7q31.2.
Variant type: single nucleotide variant.
Coding change: c.2204G>A on transcript NM_000492.4 (MANE Select); coding-DNA position 2204, G replaced by A.
Protein change: p.Arg735Lys; replaces arginine 735 with lysine.
Molecular consequence: missense variant.
Genome position (GRCh38, 1-based): chr7:117,592,371, G>A. VCF-style: chr7-117592371-G-A. GRCh37 (hg19) VCF-style: chr7-117232425-G-A.
Other names: short protein forms R735K.
Identifiers: ClinVar variation 53453 (VCV000053453.2), dbSNP rs397508352, ClinGen allele CA326768.